The following is an entry in ClinVar:

NM_001961.4(EEF2):c.1307C>A (p.Pro436His)

Gene: EEF2 (eukaryotic translation elongation factor 2; minus strand). Cytogenetic location: 19p13.3.
Variant type: single nucleotide variant.
Coding change: c.1307C>A on transcript NM_001961.4 (MANE Select); coding-DNA position 1307, C replaced by A.
Protein change: p.Pro436His; replaces proline 436 with histidine.
Molecular consequence: missense variant.
Genome position (GRCh38, 1-based): chr19:3,980,553, G>T on the plus strand (C>A on the coding strand, the complement: EEF2 is on the minus strand). VCF-style: chr19-3980553-G-T. GRCh37 (hg19) VCF-style: chr19-3980551-G-T.
Other names: short protein forms P436H.
Identifiers: ClinVar variation 4998725 (VCV004998725.1).

ClinVar aggregate classification (germline): Uncertain significance (1 of 4 stars; one submission).

Conditions:
EEF2-related disorder. Also called: EEF2-related condition.

Submission:

PreventionGenetics, part of Exact Sciences
Classification: Uncertain significance for EEF2-related condition. Last evaluated: 2025-01-06. Review status: criteria provided, single submitter. Criteria: ACMG Guidelines, 2015. Collection method: clinical testing. Allele origin: germline.
Comment: The EEF2 c.1307C>A variant is predicted to result in the amino acid substitution p.Pro436His. To our knowledge, this variant has not been reported in the literature or in a large population database (gnomAD), indicating this variant is rare. At this time, the clinical significance of this variant is uncertain due to the absence of conclusive functional and genetic evidence.